The following is an entry in ClinVar:

ClinVar aggregate classification (germline): Uncertain significance (1 of 4 stars; one submission).

Conditions:
Isolated microphthalmia 4. Identifiers: Orphanet 2542, MedGen C2751307, MONDO:0013130, OMIM 613094.
Leber congenital amaurosis 17 (LCA17). Identifiers: Orphanet 65, MedGen C3715164, MONDO:0014145, OMIM 615360.
Klippel-Feil syndrome 1, autosomal dominant (KFS1). Also called: CERVICAL VERTEBRAL FUSION, AUTOSOMAL DOMINANT. Identifiers: Orphanet 2345, MedGen C1861689, MONDO:0007306, OMIM 118100.
Microphthalmia, isolated, with coloboma 6 (MCOPCB6). Also called: Microphthalmia with coloboma 6, digenic; Microphthalmia with coloboma 6; MICROPHTHALMIA/COLOBOMA 6. Identifiers: Orphanet 98938, MedGen C3150968, MONDO:0013376, OMIM 613703.

Allele frequency attached by ClinVar (database versions not stated): gnomAD exomes below 0.00001; gnomAD 0.00001; 1000 Genomes Project 30x 0.00016.
gnomAD v4.1: 5 of 1,375,592 alleles (0.00036%); highest among the groups gnomAD compares: East Asian, 0.0031%; no homozygotes.

Submission:

Labcorp Genetics (formerly Invitae), Labcorp
Classification: Uncertain significance for Isolated microphthalmia 4; Leber congenital amaurosis 17; Klippel-Feil syndrome 1, autosomal dominant; Microphthalmia, isolated, with coloboma 6. Last evaluated: 2022-05-28. Review status: criteria provided, single submitter. Criteria: Invitae Variant Classification Sherloc (09022015). Collection method: clinical testing. Allele origin: germline.
Comment: In summary, the available evidence is currently insufficient to determine the role of this variant in disease. Therefore, it has been classified as a Variant of Uncertain Significance. Algorithms developed to predict the effect of missense changes on protein structure and function are either unavailable or do not agree on the potential impact of this missense change (SIFT: "Deleterious"; PolyPhen-2: "Benign"; Align-GVGD: "Class C0"). This variant has not been reported in the literature in individuals affected with GDF6-related conditions. This variant is not present in population databases (gnomAD no frequency). This sequence change replaces glycine, which is neutral and non-polar, with glutamic acid, which is acidic and polar, at codon 311 of the GDF6 protein (p.Gly311Glu).

NM_001001557.4(GDF6):c.932G>A (p.Gly311Glu)

Gene: GDF6 (growth differentiation factor 6; minus strand). Cytogenetic location: 8q22.1.
Variant type: single nucleotide variant.
Coding change: c.932G>A on transcript NM_001001557.4 (MANE Select); coding-DNA position 932, G replaced by A.
Protein change: p.Gly311Glu; replaces glycine 311 with glutamic acid.
Molecular consequence: missense variant.
Genome position (GRCh38, 1-based): chr8:96,144,999, C>T on the plus strand (G>A on the coding strand, the complement: GDF6 is on the minus strand). VCF-style: chr8-96144999-C-T. GRCh37 (hg19) VCF-style: chr8-97157227-C-T.
Other names: short protein forms G311E.
Identifiers: ClinVar variation 2029088 (VCV002029088.4), dbSNP rs1323438917, ClinGen allele CA371751496.
Genomic context (GRCh38, chr8:96,144,999, plus strand): 5'-CGGCCGGGCGAGGGCAGCCAAGGCCTGGCATCCGGGGCGCCCGACGGCGGCGGCCACGAC[C>T]CCTCGGCGCCCGCGCCCGGGCCCGCAGCCTCGGCCGAGCCCAGCTGCTCGCGCATCTCTG-3'
Protein context (NP_001001557.1, residues 301-321): EAAGPGAGAE[Gly311Glu]SWPPPSGAPD